The following is an entry in ClinVar:

NM_005120.3(MED12):c.4048-1G>A

Gene: MED12 (mediator complex subunit 12; plus strand). Cytogenetic location: Xq13.1.
Variant type: single nucleotide variant.
Coding change: c.4048-1G>A on transcript NM_005120.3 (MANE Select); the canonical splice acceptor site of the intron before coding-DNA position 4048, G replaced by A.
Molecular consequence: splice acceptor variant.
Genome position (GRCh38, 1-based): chrX:71,131,549, G>A. VCF-style: chrX-71131549-G-A. GRCh37 (hg19) VCF-style: chrX-70351399-G-A.
Identifiers: ClinVar variation 842286 (VCV000842286.8), dbSNP rs2092317530, ClinGen allele CA413524641.

ClinVar aggregate classification (germline): Likely pathogenic (1 of 4 stars; one submission).

Conditions:
FG syndrome (FGS). Identifiers: MedGen C0220769, MONDO:0002010.

Submission:

Labcorp Genetics (formerly Invitae), Labcorp
Classification: Likely pathogenic for FG syndrome. Last evaluated: 2022-09-19. Review status: criteria provided, single submitter. Criteria: Invitae Variant Classification Sherloc (09022015). Collection method: clinical testing. Allele origin: germline.
Comment: This sequence change affects an acceptor splice site in intron 28 of the MED12 gene. It is expected to disrupt RNA splicing. Variants that disrupt the donor or acceptor splice site typically lead to a loss of protein function (PMID: 16199547), and loss-of-function variants in MED12 are known to be pathogenic (PMID: 33244165, 33244166). In summary, the currently available evidence indicates that the variant is pathogenic, but additional data are needed to prove that conclusively. Therefore, this variant has been classified as Likely Pathogenic. Algorithms developed to predict the effect of sequence changes on RNA splicing suggest that this variant may disrupt the consensus splice site. ClinVar contains an entry for this variant (Variation ID: 842286). This variant has not been reported in the literature in individuals affected with MED12-related conditions. This variant is not present in population databases (gnomAD no frequency).

Literature cited by the submitters: PubMed 16199547; PubMed 33244165; PubMed 33244166.